The following is an entry in ClinVar:

ClinVar aggregate classification (germline): Uncertain significance. Review status: criteria provided, multiple submitters, no conflicts (2 of 4 stars). 4 submissions from 4 submitters: Uncertain significance (4). Last evaluated 2025-09-14.

Conditions:
Developmental and epileptic encephalopathy, 78. Also called: EPILEPTIC ENCEPHALOPATHY, EARLY INFANTILE, 78. Identifiers: MedGen C5231409, MONDO:0032812, OMIM 618557.
Inborn genetic diseases. Identifiers: MedGen C0950123, MeSH D030342.

Allele frequency attached by ClinVar (database versions not stated): ExAC 0.00003; 1000 Genomes Project 0.00020; gnomAD exomes 0.00002; gnomAD 0.00014 and 0.00015; 1000 Genomes Project 30x 0.00016; ESP Exome Variant Server 0.00023.

Submissions (4):

Labcorp Genetics (formerly Invitae), Labcorp
Classification: Uncertain significance. Last evaluated: 2025-09-14. Review status: criteria provided, single submitter. Criteria: Invitae Variant Classification Sherloc (09022015). Collection method: clinical testing. Allele origin: germline.
Comment: This sequence change replaces methionine, which is neutral and non-polar, with threonine, which is neutral and polar, at codon 10 of the GABRA2 protein (p.Met10Thr). This variant is present in population databases (rs200327122, gnomAD 0.04%). This variant has not been reported in the literature in individuals affected with GABRA2-related conditions. ClinVar contains an entry for this variant (Variation ID: 1417022). An algorithm developed to predict the effect of missense changes on protein structure and function (PolyPhen-2) suggests that this variant is likely to be tolerated. In summary, the available evidence is currently insufficient to determine the role of this variant in disease. Therefore, it has been classified as a Variant of Uncertain Significance.

Dasa
Classification: Uncertain significance. Last evaluated: 2025-07-28. Review status: criteria provided, single submitter. Criteria: DASA Assertion Criteria. Collection method: clinical testing. Allele origin: germline.
Comment: NM_000807.4(GABRA2):c.29T>C (p.Met10Thr) is a missense variant that results in the substitution of methionine with threonine. This variant is rare in population databases. Computational prediction algorithms are consistent with a benign effect. The currently available literature and clinical evidence are not sufficient to establish a definitive association between this variant and the reported condition. Therefore, this variant is classified as a variant of uncertain significance.

Revvity Omics, Revvity
Classification: Uncertain significance for Developmental and epileptic encephalopathy, 78. Last evaluated: 2021-12-28. Review status: criteria provided, single submitter. Criteria: ACMG Guidelines, 2015. Collection method: clinical testing. Allele origin: germline.

Ambry Genetics
Classification: Uncertain significance for Inborn genetic diseases. Last evaluated: 2021-06-03. Review status: criteria provided, single submitter. Criteria: Ambry Variant Classification Scheme 2023. Collection method: clinical testing. Allele origin: germline.

NM_000807.4(GABRA2):c.29T>C (p.Met10Thr)

Gene: GABRA2 (gamma-aminobutyric acid type A receptor subunit alpha2; minus strand). Cytogenetic location: 4p12.
Variant type: single nucleotide variant.
Coding change: c.29T>C on transcript NM_000807.4 (MANE Select); coding-DNA position 29, T replaced by C.
Protein change: p.Met10Thr; replaces methionine 10 with threonine.
Molecular consequence: missense variant. On other transcripts: 5 prime UTR variant (4).
Genome position (GRCh38, 1-based): chr4:46,388,678, A>G on the plus strand (T>C on the coding strand, the complement: GABRA2 is on the minus strand). VCF-style: chr4-46388678-A-G. GRCh37 (hg19) VCF-style: chr4-46390695-A-G.
Other names: c.29T>C (NM_001114175.2, NM_001114175.1); c.29T>C, p.Met10Thr (NM_001114175.3, NM_001330690.2, NM_001377144.1 and 8 more transcripts); c.-69T>C (NM_001286827.3, NM_001377152.1, NM_001377153.1 and 1 more transcripts); short protein forms M10T.
Identifiers: ClinVar variation 1417022 (VCV001417022.11), dbSNP rs200327122, ClinGen allele CA2906814.